The following is an entry in ClinVar:

NM_023936.2(MRPS34):c.655T>A (p.Ter219Lys)

Genes: MRPS34 (mitochondrial ribosomal protein S34; minus strand), LOC130058182 (ATAC-STARR-seq lymphoblastoid active region 10236; plus strand). Cytogenetic location: 16p13.3.
Variant type: single nucleotide variant.
Coding change: c.655T>A on transcript NM_023936.2 (MANE Select); coding-DNA position 655, T replaced by A.
Protein change: p.Ter219Lys.
Molecular consequence: stop lost.
Genome position (GRCh38, 1-based): chr16:1,772,223, A>T on the plus strand (T>A on the coding strand, the complement: MRPS34 is on the minus strand). VCF-style: chr16-1772223-A-T. GRCh37 (hg19) VCF-style: chr16-1822224-A-T.
Other names: c.676T>A, p.Ter226Lys (NM_001300900.2).
Identifiers: ClinVar variation 1509309 (VCV001509309.3), dbSNP rs758917945, ClinGen allele CA394242220.

ClinVar aggregate classification (germline): Uncertain significance (1 of 4 stars; one submission).

Submission:

Labcorp Genetics (formerly Invitae), Labcorp
Classification: Uncertain significance. Last evaluated: 2021-12-07. Review status: criteria provided, single submitter. Criteria: Invitae Variant Classification Sherloc (09022015). Collection method: clinical testing. Allele origin: germline.
Comment: This sequence change disrupts the translational stop signal of the MRPS34 mRNA. It is expected to extend the length of the MRPS34 protein by 9 additional amino acid residues. This variant is not present in population databases (gnomAD no frequency). This variant has not been reported in the literature in individuals affected with MRPS34-related conditions. In summary, the available evidence is currently insufficient to determine the role of this variant in disease. Therefore, it has been classified as a Variant of Uncertain Significance.